The following is an entry in ClinVar:

NM_000219.6(KCNE1):c.133C>T (p.Leu45Phe)

Gene: KCNE1 (potassium voltage-gated channel subfamily E regulatory subunit 1; minus strand). Cytogenetic location: 21q22.12.
Variant type: single nucleotide variant.
Coding change: c.133C>T on transcript NM_000219.6 (MANE Select); coding-DNA position 133, C replaced by T.
Protein change: p.Leu45Phe; replaces leucine 45 with phenylalanine.
Molecular consequence: missense variant.
Genome position (GRCh38, 1-based): chr21:34,449,502, G>A on the plus strand (C>T on the coding strand, the complement: KCNE1 is on the minus strand). VCF-style: chr21-34449502-G-A. GRCh37 (hg19) VCF-style: chr21-35821800-G-A.
Other names: c.133C>T, p.Leu45Phe (NM_001127668.4, NM_001127669.4, NM_001127670.4 and 4 more transcripts); short protein forms L45F.
Identifiers: ClinVar variation 3374135 (VCV003374135.2).
Genomic context (GRCh38, chr21:34,449,502, plus strand): 5'-AGCTCAGCATGATGCCCAGGGTGAAGAAGCCGAAGAATCCCAGTACCATGAGGACGTAGA[G>A]GGCCTCCAGCTTGCCGTCACTGCTGCGGGGGGACCTGCGGGCCAGGCCCGACATGTTGCC-3'
Protein context (NP_000210.2, residues 35-55): PRSSDGKLEA[Leu45Phe]YVLMVLGFFG

Conditions:
Long QT syndrome 5 (LQT5). Identifiers: Orphanet 101016, Orphanet 768, MedGen C1867904, MONDO:0013372, OMIM 613695.

Submission:

Roden Lab, Vanderbilt University Medical Center
No classification provided (evidence only). Condition: Long QT syndrome 5. Review status: no classification provided. Collection method: in vitro. Allele origin: not applicable. Functional consequence: Effect on ion channel function.
ClinVar note: "not provided" was previously submitted as the classification for the variant. However, the classification appeared to be based only on an observation of functional data so it was converted to no classification on 2025-07-30.